The following is an entry in ClinVar:

NM_000059.4(BRCA2):c.3623del (p.Tyr1207_Leu1208insTer)

Gene: BRCA2 (BRCA2 DNA repair associated; plus strand). Cytogenetic location: 13q13.1.
Variant type: Deletion.
Coding change: c.3623del on transcript NM_000059.4 (MANE Select); coding-DNA position 3623, one base deleted (T; older notation c.3623delT).
Protein change: p.Tyr1207_Leu1208insTer.
Molecular consequence: nonsense. On other transcripts: frameshift variant (2).
Genome position (GRCh38, 1-based): chr13:32,337,978, T deleted; the last of 3 consecutive T bases (chr13:32,337,976-32,337,978); deleting any one gives the same sequence. VCF-style (leftmost placement, unchanged base first): chr13-32337975-AT-A. GRCh37 (hg19) VCF-style: chr13-32912112-AT-A.
Other names: c.3623delT, p.Leu1208Terfs (NM_001406719.1, NM_001406720.1).
Identifiers: ClinVar variation 1733347 (VCV001733347.2), dbSNP rs2548526377, ClinGen allele CA2580087113.
Genomic context (GRCh38, chr13:32,337,975, plus strand): 5'-AAATTAAACGGAAGTTTGCTGGCCTGTTGAAAAATGACTGTAACAAAAGTGCTTCTGGTT[AT>A]TTAACAGATGAAAATGAAGTGGGGTTTAGGGGCTTTTATTCTGCTCATGGCACAAAACTG-3'

ClinVar aggregate classification (germline): Pathogenic (1 of 4 stars; one submission).

Conditions:
Hereditary cancer-predisposing syndrome. Also called: Neoplastic Syndromes, Hereditary; Tumor predisposition; Hereditary Cancer Syndrome; Hereditary neoplastic syndrome. Identifiers: Orphanet 140162, MedGen C0027672, MeSH D009386, MONDO:0015356.

Submission:

Ambry Genetics
Classification: Pathogenic for Hereditary cancer-predisposing syndrome. Last evaluated: 2022-04-14. Review status: criteria provided, single submitter. Criteria: Ambry Variant Classification Scheme 2023. Collection method: clinical testing. Allele origin: germline.
Comment: The c.3623delT pathogenic mutation, located in coding exon 10 of the BRCA2 gene, results from a deletion of one nucleotide at nucleotide position 3623, causing a translational frameshift with a predicted alternate stop codon (p.L1208*). This variant is considered to be rare based on population cohorts in the Genome Aggregation Database (gnomAD). This alteration is expected to result in loss of function by premature protein truncation or nonsense-mediated mRNA decay. As such, this alteration is interpreted as a disease-causing mutation.